The following is an entry in ClinVar:

NM_197968.4(ZMYM2):c.628A>G (p.Met210Val)

Gene: ZMYM2 (zinc finger MYM-type containing 2; plus strand). Cytogenetic location: 13q12.11.
Variant type: single nucleotide variant.
Coding change: c.628A>G on transcript NM_197968.4 (MANE Select); coding-DNA position 628, A replaced by G.
Protein change: p.Met210Val; replaces methionine 210 with valine.
Molecular consequence: missense variant. On other transcripts: non-coding transcript variant (1), intron variant (2).
Genome position (GRCh38, 1-based): chr13:19,993,700, A>G. VCF-style: chr13-19993700-A-G. GRCh37 (hg19) VCF-style: chr13-20567840-A-G.
Other names: c.628A>G, p.Met210Val (NM_001190964.4, NM_001190965.4, NM_001353157.2 and 5 more transcripts); c.493-126A>G (NM_001353163.2); c.559-126A>G (NM_001353161.3); short protein forms M210V.
Identifiers: ClinVar variation 2635041 (VCV002635041.2), dbSNP rs1267572271, ClinGen allele CA387667206.

ClinVar aggregate classification (germline): Uncertain significance. Review status: criteria provided, multiple submitters, no conflicts (2 of 4 stars). 2 submissions from 2 submitters: Uncertain significance (2). Last evaluated 2025-05-27.

Conditions:
ZMYM2-related disorder. Also called: ZMYM2-related condition.
Neurodevelopmental-craniofacial syndrome with variable renal and cardiac abnormalities. Identifiers: MedGen C5561984, MONDO:0859190, OMIM 619522.

Allele frequency attached by ClinVar (database versions not stated): gnomAD exomes below 0.00001; TOPMed below 0.00001.
gnomAD v4.1: 3 of 1,614,050 alleles (0.00019%); highest among the groups gnomAD compares: South Asian, 0.0022%; no homozygotes.

Submissions (2):

Department of Paediatrics at Addenbrookes, Cambridge University Hospitals NHS Foundation Trust (UK)
Classification: Uncertain significance for Neurodevelopmental-craniofacial syndrome with variable renal and cardiac abnormalities. Last evaluated: 2025-05-27. Review status: criteria provided, single submitter. Criteria: Durkie Uk Practice Guidelines For Variant Classification V12 2024 (1). Collection method: clinical testing. Allele origin: unknown.
Comment: PM2_Moderate, BP4_Supporting

PreventionGenetics, part of Exact Sciences
Classification: Uncertain significance for ZMYM2-related condition. Last evaluated: 2023-02-14. Review status: criteria provided, single submitter. Criteria: ACMG Guidelines, 2015. Collection method: clinical testing. Allele origin: germline.
Comment: The ZMYM2 c.628A>G variant is predicted to result in the amino acid substitution p.Met210Val. To our knowledge, this variant has not been reported in the literature or in a large population database, indicating this variant is rare. At this time, the clinical significance of this variant is uncertain due to the absence of conclusive functional and genetic evidence.